The following is an entry in ClinVar:

ClinVar aggregate classification (germline): Benign. Review status: criteria provided, multiple submitters, no conflicts (2 of 4 stars). 5 submissions from 5 submitters: Benign (4). 1 of the submissions does not count toward it. Last evaluated 2026-02-03.

Conditions:
GATA5-related disorder. Also called: GATA5-related condition.

Allele frequency attached by ClinVar (database versions not stated): gnomAD exomes 0.00834; ExAC 0.01740; gnomAD 0.03544 and 0.03814; ESP Exome Variant Server 0.03592; 1000 Genomes Project 0.03654; 1000 Genomes Project 30x 0.03935; TOPMed 0.04051.
gnomAD v4.1: 10,257 of 1,545,650 alleles (0.66%); highest among the groups gnomAD compares: African/African-American, 12%; 599 homozygotes.

Submissions (5):

Labcorp Genetics (formerly Invitae), Labcorp
Classification: Benign. Last evaluated: 2026-02-03. Review status: criteria provided, single submitter. Criteria: Invitae Variant Classification Sherloc (09022015). Collection method: clinical testing. Allele origin: germline.

Blueprint Genetics
Classification: Benign. Last evaluated: 2024-11-26. Review status: criteria provided, single submitter. Criteria: ACMG Guidelines, 2015. Collection method: clinical testing. Allele origin: germline.

GeneDx
Classification: Benign. Last evaluated: 2018-09-18. Review status: criteria provided, single submitter. Criteria: GeneDx Variant Classification Process June 2021. Collection method: clinical testing. Allele origin: germline. Affected: yes.

Breakthrough Genomics
Classification: Benign. Review status: criteria provided, single submitter. Criteria: ACMG Guidelines, 2015. Collection method: not provided. Allele origin: germline. Inheritance: Autosomal dominant inheritance. Affected: yes.

PreventionGenetics, part of Exact Sciences
Classification: Benign for GATA5-related condition. Last evaluated: 2019-07-15. Review status: no assertion criteria provided. Collection method: clinical testing. Allele origin: germline. Not counted in ClinVar's aggregate classification.
Comment: This variant is classified as benign based on ACMG/AMP sequence variant interpretation guidelines (Richards et al. 2015 PMID: 25741868, with internal and published modifications).

NM_080473.5(GATA5):c.700-10G>A

Gene: GATA5 (GATA binding protein 5; minus strand). Cytogenetic location: 20q13.33.
Variant type: single nucleotide variant.
Coding change: c.700-10G>A on transcript NM_080473.5 (MANE Select); 10 bases into the intron before coding-DNA position 700, G replaced by A.
Molecular consequence: intron variant.
Genome position (GRCh38, 1-based): chr20:62,466,561, C>T on the plus strand (G>A on the coding strand, the complement: GATA5 is on the minus strand). VCF-style: chr20-62466561-C-T. GRCh37 (hg19) VCF-style: chr20-61041617-C-T.
Other names: c.700-10G>A (NM_080473.4).
Identifiers: ClinVar variation 1261402 (VCV001261402.15), dbSNP rs73303279, ClinGen allele CA9946217.
Genomic context (GRCh38, chr20:62,466,561, plus strand): 5'-GTTGGTCGTGTGGCAGTTGGTGCAGCAGAGGCCGGCGCGGCGGGACGAGGACTGTGGGGG[C>T]GAGGGAGACTGGAGTGAGCCCCGGGCCGGGTGCGCGGCTGGAGCAGGGGGACGGAAGCGA-3'